The following is an entry in ClinVar:

NM_001267550.2(TTN):c.33172+3A>T

Gene: TTN (titin; minus strand). Cytogenetic location: 2q31.2.
Variant type: single nucleotide variant.
Coding change: c.33172+3A>T on transcript NM_001267550.2 (MANE Select); 3 bases into the intron after coding-DNA position 33172, A replaced by T.
Molecular consequence: intron variant.
Genome position (GRCh38, 1-based): chr2:178,681,658, T>A on the plus strand (A>T on the coding strand, the complement: TTN is on the minus strand). VCF-style: chr2-178681658-T-A. GRCh37 (hg19) VCF-style: chr2-179546385-T-A.
Other names: c.13283-39341A>T (NM_003319.4); c.13859-39341A>T (NM_133437.4); c.13658-39341A>T (NM_133432.3); c.29440+3A>T (NM_133378.4); c.32221+3A>T (NM_001256850.1).
Identifiers: ClinVar variation 3759315 (VCV003759315.2).

ClinVar aggregate classification (germline): Uncertain significance (1 of 4 stars; one submission).

Conditions:
Dilated cardiomyopathy 1G (CMD1G). Identifiers: Orphanet 154, MedGen C1858763, MONDO:0011400, OMIM 604145.
Autosomal recessive limb-girdle muscular dystrophy type 2J (LGMDR10). Also called: Limb-girdle muscular dystrophy, type 2J; MUSCULAR DYSTROPHY, LIMB-GIRDLE, AUTOSOMAL RECESSIVE 10. Identifiers: Orphanet 140922, MedGen C1837342, MONDO:0012127, OMIM 608807.

Submission:

Labcorp Genetics (formerly Invitae), Labcorp
Classification: Uncertain significance for Dilated cardiomyopathy 1G; Autosomal recessive limb-girdle muscular dystrophy type 2J. Last evaluated: 2024-09-30. Review status: criteria provided, single submitter. Criteria: Invitae Variant Classification Sherloc (09022015). Collection method: clinical testing. Allele origin: germline.
Comment: This sequence change falls in intron 136 of the TTN gene. It does not directly change the encoded amino acid sequence of the TTN protein. It affects a nucleotide within the consensus splice site. This variant is not present in population databases (gnomAD no frequency). This variant has not been reported in the literature in individuals affected with TTN-related conditions. Variants that disrupt the consensus splice site are a relatively common cause of aberrant splicing (PMID: 17576681, 9536098). Algorithms developed to predict the effect of sequence changes on RNA splicing suggest that this variant may disrupt the consensus splice site. This variant is located in the I band of TTN (PMID: 25589632). Non-truncating variants in this region may be clinically relevant, but have not been definitively shown to cause cardiomyopathy or neuromuscular disease (PMID: 27493940, 32778822). In summary, the available evidence is currently insufficient to determine the role of this variant in disease. Therefore, it has been classified as a Variant of Uncertain Significance.

Literature cited by the submitters: PubMed 17576681; PubMed 9536098; PubMed 25589632; PubMed 27493940; PubMed 32778822.